The following is an entry in ClinVar:

NM_000548.5(TSC2):c.4163C>T (p.Ser1388Phe)

Gene: TSC2 (TSC complex subunit 2; plus strand). Cytogenetic location: 16p13.3.
Variant type: single nucleotide variant.
Coding change: c.4163C>T on transcript NM_000548.5 (MANE Select); coding-DNA position 4163, C replaced by T.
Protein change: p.Ser1388Phe; replaces serine 1388 with phenylalanine.
Molecular consequence: missense variant.
Genome position (GRCh38, 1-based): chr16:2,084,385, C>T. VCF-style: chr16-2084385-C-T. GRCh37 (hg19) VCF-style: chr16-2134386-C-T.
Other names: c.4163C>T (NM_000548.3); c.3995C>T, p.Ser1332Phe (NM_001318832.2); c.3962C>T, p.Ser1321Phe (NM_001077183.3); c.4094C>T, p.Ser1365Phe (NM_001114382.3); c.3854C>T, p.Ser1285Phe (NM_001318827.2); c.3818C>T, p.Ser1273Phe (NM_001318829.2); c.3431C>T, p.Ser1144Phe (NM_001318831.2); c.3965C>T, p.Ser1322Phe (NM_001363528.2); and 2 more; short protein forms S1144F, S1273F, S1285F, S1321F, S1322F, S1332F, S1344F, S1345F.
Identifiers: ClinVar variation 1056540 (VCV001056540.11), dbSNP rs764039393, ClinGen allele CA394299732.
Genomic context (GRCh38, chr16:2,084,385, plus strand): 5'-GCCGGCCCTCTGTGGACCTCTCCTTCCAGCCCTCGCAGCCCCTGAGCAAGTCCAGCTCCT[C>T]TCCCGAGCTGCAGACTCTGCAGGACATCCTCGGGGACCCTGGGGACAAGGCCGACGTGGG-3'
Protein context (NP_000539.2, residues 1378-1398): PSQPLSKSSS[Ser1388Phe]PELQTLQDIL

ClinVar aggregate classification (germline): Uncertain significance. Review status: criteria provided, multiple submitters, no conflicts (2 of 4 stars). 3 submissions from 3 submitters: Uncertain significance (3). Last evaluated 2025-12-30.

Conditions:
Hereditary cancer-predisposing syndrome. Also called: Tumor predisposition; Neoplastic Syndromes, Hereditary; Hereditary Cancer Syndrome; Hereditary neoplastic syndrome. Identifiers: Orphanet 140162, MedGen C0027672, MeSH D009386, MONDO:0015356.
Tuberous sclerosis 2 (TSC2). Identifiers: Orphanet 805, MedGen C1860707, MONDO:0013199, OMIM 613254.

Submissions (3):

Labcorp Genetics (formerly Invitae), Labcorp
Classification: Uncertain significance for Tuberous sclerosis 2. Last evaluated: 2025-12-30. Review status: criteria provided, single submitter. Criteria: Invitae Variant Classification Sherloc (09022015). Collection method: clinical testing. Allele origin: germline.
Comment: This sequence change replaces serine, which is neutral and polar, with phenylalanine, which is neutral and non-polar, at codon 1388 of the TSC2 protein (p.Ser1388Phe). This variant is not present in population databases (gnomAD no frequency). This variant has not been reported in the literature in individuals affected with TSC2-related conditions. ClinVar contains an entry for this variant (Variation ID: 1056540). Invitae Evidence Modeling of protein sequence and biophysical properties (such as structural, functional, and spatial information, amino acid conservation, physicochemical variation, residue mobility, and thermodynamic stability) indicates that this missense variant is not expected to disrupt TSC2 protein function with a negative predictive value of 95%. In summary, the available evidence is currently insufficient to determine the role of this variant in disease. Therefore, it has been classified as a Variant of Uncertain Significance.

GeneDx
Classification: Uncertain significance. Last evaluated: 2024-12-18. Review status: criteria provided, single submitter. Criteria: GeneDx Variant Classification Process June 2021. Collection method: clinical testing. Allele origin: germline. Affected: yes.
Comment: Not observed at significant frequency in large population cohorts (gnomAD); In silico analysis supports that this missense variant has a deleterious effect on protein structure/function; Has not been previously published as pathogenic or benign to our knowledge

Ambry Genetics
Classification: Uncertain significance for Hereditary cancer-predisposing syndrome. Last evaluated: 2023-11-01. Review status: criteria provided, single submitter. Criteria: Ambry Variant Classification Scheme 2023. Collection method: clinical testing. Allele origin: germline.
Comment: The p.S1388F variant (also known as c.4163C>T), located in coding exon 33 of the TSC2 gene, results from a C to T substitution at nucleotide position 4163. The serine at codon 1388 is replaced by phenylalanine, an amino acid with highly dissimilar properties. This amino acid position is conserved. In addition, this alteration is predicted to be deleterious by in silico analysis. Since supporting evidence is limited at this time, the clinical significance of this alteration remains unclear.